The following is an entry in ClinVar:

NM_015047.3(EMC1):c.863G>C (p.Arg288Pro)

Genes: EMC1 (ER membrane protein complex subunit 1; minus strand), EMC1-AS1 (EMC1 antisense RNA 1; plus strand). Cytogenetic location: 1p36.13.
Variant type: single nucleotide variant.
Coding change: c.863G>C on transcript NM_015047.3 (MANE Select); coding-DNA position 863, G replaced by C.
Protein change: p.Arg288Pro; replaces arginine 288 with proline.
Molecular consequence: missense variant.
Genome position (GRCh38, 1-based): chr1:19,239,909, C>G on the plus strand (G>C on the coding strand, the complement: EMC1 is on the minus strand). VCF-style: chr1-19239909-C-G. GRCh37 (hg19) VCF-style: chr1-19566403-C-G.
Other names: c.863G>C, p.Arg288Pro (NM_001271427.2, NM_001271428.2, NM_001375820.1 and 1 more transcripts); c.797G>C, p.Arg266Pro (NM_001271429.2); short protein forms R266P, R288P.
Identifiers: ClinVar variation 3663796 (VCV003663796.2).
Genomic context (GRCh38, chr1:19,239,909, plus strand): 5'-CCATAATGGTACTGCAGCAGAGCATAGTGGCTTGGGGACAAGTGCAGGAAGAACTGGGCC[C>G]GGGAAGCGTCCACTGGGTTGGGCTGGGTAGGCAGGACCCGGGGTTGGAATCCACTTCCAA-3'
Protein context (NP_055862.1, residues 278-298): PTQPNPVDAS[Arg288Pro]AQFFLHLSPS

ClinVar aggregate classification (germline): Uncertain significance (1 of 4 stars; one submission).

Submission:

Labcorp Genetics (formerly Invitae), Labcorp
Classification: Uncertain significance. Last evaluated: 2024-08-28. Review status: criteria provided, single submitter. Criteria: Invitae Variant Classification Sherloc (09022015). Collection method: clinical testing. Allele origin: germline.
Comment: This sequence change replaces arginine, which is basic and polar, with proline, which is neutral and non-polar, at codon 288 of the EMC1 protein (p.Arg288Pro). This variant is not present in population databases (gnomAD no frequency). This variant has not been reported in the literature in individuals affected with EMC1-related conditions. Invitae Evidence Modeling of protein sequence and biophysical properties (such as structural, functional, and spatial information, amino acid conservation, physicochemical variation, residue mobility, and thermodynamic stability) indicates that this missense variant is not expected to disrupt EMC1 protein function with a negative predictive value of 80%. In summary, the available evidence is currently insufficient to determine the role of this variant in disease. Therefore, it has been classified as a Variant of Uncertain Significance.